The following is an entry in ClinVar:

NM_001354761.2(ADD1):c.1378G>T (p.Gly460Trp)

Gene: ADD1 (adducin 1; plus strand). Cytogenetic location: 4p16.3.
Variant type: single nucleotide variant.
Coding change: c.1378G>T on transcript NM_001354761.2 (MANE Select); coding-DNA position 1378, G replaced by T.
Protein change: p.Gly460Trp; replaces glycine 460 with tryptophan.
Molecular consequence: missense variant.
Genome position (GRCh38, 1-based): chr4:2,904,980, G>T. VCF-style: chr4-2904980-G-T. GRCh37 (hg19) VCF-style: chr4-2906707-G-T.
Other names: c.1378G>T, p.Gly460Trp (NM_001119.5, NM_001286645.2, NM_001354754.2 and 9 more transcripts); short protein forms G460W.
Identifiers: ClinVar variation 18274 (VCV000018274.4), dbSNP rs4961, ClinGen allele CA128027.

ClinVar aggregate classification (germline): drug response. Review status: reviewed by expert panel (3 of 4 stars). 2 submissions from 2 submitters: drug response (1). 1 of the submissions does not count toward it. Last evaluated 2021-03-24.

Conditions:
Hypertension, salt-sensitive essential, susceptibility to. Identifiers: MedGen C3837651.
hydrochlorothiazide response - Efficacy. Identifiers: MedGen CN322734.

Allele frequency attached by ClinVar (database versions not stated): gnomAD 0.16822 and 0.16268; ExAC 0.20187; 1000 Genomes Project 0.20847; TOPMed 0.16804; 1000 Genomes Project 30x 0.20050.

Submissions (2):

ClinPGx
Classification: drug response for hydrochlorothiazide response - Efficacy. Last evaluated: 2021-03-24. Review status: reviewed by expert panel. Criteria: Pharmacogenomics knowledge for personalized medicine. Collection method: curation. Allele origin: germline. Affected: yes.
Comment: PharmGKB Level of Evidence 2B: Variants in Level 2B clinical annotations are not in PharmGKB’s Tier 1 VIPs. These clinical annotations describe variant-drug combinations with a moderate level of evidence supporting the association. For example, the association may be found in multiple cohorts, but there may be a minority of studies that do not support the majority assertion. Level 2B clinical annotations must be supported by at least two independent publications.

Drug is not necessarily used to treat response condition

OMIM
Classification: risk factor for HYPERTENSION, SALT-SENSITIVE ESSENTIAL, SUSCEPTIBILITY TO. Last evaluated: 1999-02-01. Review status: no assertion criteria provided. Collection method: literature only. Allele origin: germline. Not counted in ClinVar's aggregate classification.

Literature cited by the submitters: PubMed 10523341 (cited by ClinPGx); PubMed 11882573 (cited by ClinPGx); PubMed 12623934 (cited by ClinPGx); PubMed 14553962 (cited by ClinPGx); PubMed 18591455 (cited by ClinPGx); PubMed 19057513 (cited by ClinPGx); PubMed 23863317 (cited by ClinPGx); PubMed 9149697 (cited by ClinPGx and OMIM); PubMed 9607177 (cited by OMIM); PubMed 10024330 (cited by OMIM).